The following is an entry in ClinVar:

NM_153033.5(KCTD7):c.145T>C (p.Phe49Leu)

Gene: KCTD7 (potassium channel tetramerization domain containing 7; plus strand). Cytogenetic location: 7q11.21.
Variant type: single nucleotide variant.
Coding change: c.145T>C on transcript NM_153033.5 (MANE Select); coding-DNA position 145, T replaced by C.
Protein change: p.Phe49Leu; replaces phenylalanine 49 with leucine.
Molecular consequence: missense variant.
Genome position (GRCh38, 1-based): chr7:66,633,275, T>C. VCF-style: chr7-66633275-T-C. GRCh37 (hg19) VCF-style: chr7-66098262-T-C.
Other names: c.145T>C, p.Phe49Leu (NM_001167961.2); short protein forms F49L.
Identifiers: ClinVar variation 589052 (VCV000589052.18), dbSNP rs559020294, ClinGen allele CA4278184.

ClinVar aggregate classification (germline): Uncertain significance. Review status: criteria provided, multiple submitters, no conflicts (2 of 4 stars). 4 submissions from 4 submitters: Uncertain significance (4). Last evaluated 2024-02-23.

Conditions:
Inborn genetic diseases. Identifiers: MedGen C0950123, MeSH D030342.
Progressive myoclonic epilepsy type 3. Also called: EPILEPSY, PROGRESSIVE MYOCLONIC, 3, WITH OR WITHOUT INTRACELLULAR INCLUSIONS; CEROID LIPOFUSCINOSIS, NEURONAL, 14; EPILEPSY, PROGRESSIVE MYOCLONIC, 3, WITHOUT INTRACELLULAR INCLUSIONS; KCTD7-Related Progressive Myoclonic Epilepsy. Identifiers: Orphanet 263516, MedGen C2673257, MONDO:0012721, OMIM 611726.

Allele frequency attached by ClinVar (database versions not stated): gnomAD exomes 0.00002 and 0.00004; ExAC 0.00003; gnomAD 0.00003; TOPMed 0.00003.

Submissions (4):

Labcorp Genetics (formerly Invitae), Labcorp
Classification: Uncertain significance for Progressive myoclonic epilepsy type 3. Last evaluated: 2024-02-23. Review status: criteria provided, single submitter. Criteria: Invitae Variant Classification Sherloc (09022015). Collection method: clinical testing. Allele origin: germline.
Comment: This sequence change replaces phenylalanine, which is neutral and non-polar, with leucine, which is neutral and non-polar, at codon 49 of the KCTD7 protein (p.Phe49Leu). This variant is present in population databases (rs559020294, gnomAD 0.004%). This variant has not been reported in the literature in individuals affected with KCTD7-related conditions. ClinVar contains an entry for this variant (Variation ID: 589052). An algorithm developed to predict the effect of missense changes on protein structure and function (PolyPhen-2) suggests that this variant¬†is likely to be tolerated. In summary, the available evidence is currently insufficient to determine the role of this variant in disease. Therefore, it has been classified as a Variant of Uncertain Significance.

GeneDx
Classification: Uncertain significance. Last evaluated: 2019-07-10. Review status: criteria provided, single submitter. Criteria: GeneDx Variant Classification Process June 2021. Collection method: clinical testing. Allele origin: germline. Affected: yes.
Comment: Not observed at a significant frequency in large population cohorts (Lek et al., 2016); In silico analysis, which includes protein predictors and evolutionary conservation, supports that this variant does not alter protein structure/function; Has not been previously published as pathogenic or benign to our knowledge

Illumina Laboratory Services, Illumina
Classification: Uncertain significance for Progressive myoclonic epilepsy type 3. Last evaluated: 2018-01-12. Review status: criteria provided, single submitter. Criteria: ICSL Variant Classification Criteria 13 December 2019. Collection method: clinical testing. Allele origin: germline.

Ambry Genetics
Classification: Uncertain significance for Inborn genetic diseases. Last evaluated: 2017-01-26. Review status: criteria provided, single submitter. Criteria: Ambry Variant Classification Scheme 2023. Collection method: clinical testing. Allele origin: germline.
Comment: The p.F49L variant (also known as c.145T>C) is located in coding exon 2 of the KCTD7 gene. The phenylalanine at codon 49 is replaced by leucine, an amino acid with highly similar properties. This change occurs in the first base pair of coding exon 2. This amino acid position is highly conserved in available vertebrate species. In addition, this alteration is predicted to be tolerated by in silico analysis. Since supporting evidence is limited at this time, the clinical significance of this alteration remains unclear.